The following is an entry in ClinVar:

ClinVar aggregate classification (germline): Uncertain significance. Review status: criteria provided, multiple submitters, no conflicts (2 of 4 stars). 3 submissions from 3 submitters: Uncertain significance (3). Last evaluated 2024-02-22.

Conditions:
Inborn genetic diseases. Identifiers: MedGen C0950123, MeSH D030342.
Spinocerebellar ataxia type 40. Identifiers: Orphanet 423275, MedGen C4518336, MONDO:0014475, OMIM 616053.
Hydrocephalus, nonsyndromic, autosomal recessive 1 (HYC1). Also called: Hydrocephalus, nonsyndromic, autosomal recessive; Congenital hydrocephalus 1. Identifiers: Orphanet 2185, MedGen C3887608, MONDO:0009360, OMIM 236600.

Allele frequency attached by ClinVar (database versions not stated): gnomAD 0.00008; TOPMed 0.00008.
gnomAD v4.1: 52 of 1,613,700 alleles (0.0032%); highest among the groups gnomAD compares: African/African-American, 0.019%; no homozygotes.

Submissions (3):

Fulgent Genetics
Classification: Uncertain significance for Hydrocephalus, nonsyndromic, autosomal recessive 1; Spinocerebellar ataxia type 40. Last evaluated: 2024-02-22. Review status: criteria provided, single submitter. Criteria: ACMG Guidelines, 2015. Collection method: clinical testing. Allele origin: germline.

Foundation for Research in Genetics and Endocrinology, FRIGE's Institute of Human Genetics
Classification: Uncertain significance for Spinocerebellar ataxia type 40. Last evaluated: 2023-08-17. Review status: criteria provided, single submitter. Criteria: ACMG Guidelines, 2015. Collection method: clinical testing. Allele origin: germline. Inheritance: Autosomal dominant inheritance. Affected: yes. Observed: 1 heterozygote.
Comment: The identified heterozygous missense substitution (p.Glu247Lys) lies in exon 8 of the CCDC88C gene and alters a conserved residue in the protein. The identified variant has been reported in the dbSNP and gnomAD databases with MAF of 0.006%. The in silico prediction of the variant is damaging by Mutation Assessor, Mutation Taster and SIFT. In summary, the variant meets our criteria to be classified as variant of uncertain significance.

Ambry Genetics
Classification: Uncertain significance for Inborn genetic diseases. Last evaluated: 2021-01-27. Review status: criteria provided, single submitter. Criteria: Ambry Variant Classification Scheme 2023. Collection method: clinical testing. Allele origin: germline.
Comment: The c.739G>A (p.E247K) alteration is located in exon 8 (coding exon 8) of the CCDC88C gene. This alteration results from a G to A substitution at nucleotide position 739, causing the glutamic acid (E) at amino acid position 247 to be replaced by a lysine (K). The p.E247K alteration is predicted to be tolerated by in silico analysis. Based on insufficient or conflicting evidence, the clinical significance of this alteration remains unclear.

NM_001080414.4(CCDC88C):c.739G>A (p.Glu247Lys)

Gene: CCDC88C (coiled-coil and HOOK domain protein 88C; minus strand). Cytogenetic location: 14q32.11.
Variant type: single nucleotide variant.
Coding change: c.739G>A on transcript NM_001080414.4 (MANE Select); coding-DNA position 739, G replaced by A.
Protein change: p.Glu247Lys; replaces glutamic acid 247 with lysine.
Molecular consequence: missense variant.
Genome position (GRCh38, 1-based): chr14:91,339,348, C>T on the plus strand (G>A on the coding strand, the complement: CCDC88C is on the minus strand). VCF-style: chr14-91339348-C-T. GRCh37 (hg19) VCF-style: chr14-91805692-C-T.
Other names: p.Glu247Lys; c.739G>A (NM_001080414.3); short protein forms E247K.
Identifiers: ClinVar variation 2576626 (VCV002576626.4), dbSNP rs750472814, ClinGen allele CA7310130.